The following is an entry in ClinVar:

Conditions:
Arteriohepatic dysplasia. Also called: Alagille Syndrome. Identifiers: Orphanet 52, MedGen C0085280, MeSH D016738, MONDO:0007318.

gnomAD v4.1: 1 of 1,613,834 alleles (0.000062%); highest among the groups gnomAD compares: Non-Finnish European, 0.000085%; no homozygotes.

Submission:

Gilbert/Spinner Lab, Children's Hospital of Philadelphia
No classification provided (evidence only). Condition: Alagille syndrome. Review status: no classification provided. Collection method: research. Allele origin: not applicable. Functional consequence: functionally_abnormal.
ClinVar note: "not provided" was previously submitted as the classification for the variant. However, the classification appeared to be based only on an observation of functional data so it was converted to no classification on 2025-07-30.

NM_000214.3(JAG1):c.400T>A (p.Leu134Met)

Gene: JAG1 (jagged canonical Notch ligand 1; minus strand). Cytogenetic location: 20p12.2.
Variant type: single nucleotide variant.
Coding change: c.400T>A on transcript NM_000214.3 (MANE Select); coding-DNA position 400, T replaced by A.
Protein change: p.Leu134Met; replaces leucine 134 with methionine.
Molecular consequence: missense variant.
Genome position (GRCh38, 1-based): chr20:10,664,002, A>T on the plus strand (T>A on the coding strand, the complement: JAG1 is on the minus strand). VCF-style: chr20-10664002-A-T. GRCh37 (hg19) VCF-style: chr20-10644650-A-T.
Other names: short protein forms L134M.
Identifiers: ClinVar variation 3573295 (VCV003573295.2).